The following is an entry in ClinVar:

NM_001042492.3(NF1):c.7201C>T (p.Pro2401Ser)

Gene: NF1 (neurofibromin 1; plus strand). Cytogenetic location: 17q11.2.
Variant type: single nucleotide variant.
Coding change: c.7201C>T on transcript NM_001042492.3 (MANE Select); coding-DNA position 7201, C replaced by T.
Protein change: p.Pro2401Ser; replaces proline 2401 with serine.
Molecular consequence: missense variant.
Genome position (GRCh38, 1-based): chr17:31,349,131, C>T. VCF-style: chr17-31349131-C-T. GRCh37 (hg19) VCF-style: chr17-29676149-C-T.
Other names: c.7138C>T, p.Pro2380Ser (NM_000267.4); short protein forms P2401S, P2380S.
Identifiers: ClinVar variation 826861 (VCV000826861.14), dbSNP rs1597858372, ClinGen allele CA399016676.

ClinVar aggregate classification (germline): Conflicting classifications of pathogenicity. Review status: criteria provided, conflicting classifications (1 of 4 stars). 4 submissions from 4 submitters: Uncertain significance (3); Likely benign (1). Last evaluated 2026-01-12.

Conditions:
Hereditary cancer-predisposing syndrome. Also called: Neoplastic Syndromes, Hereditary; Hereditary Cancer Syndrome; Hereditary neoplastic syndrome; Tumor predisposition. Identifiers: Orphanet 140162, MedGen C0027672, MeSH D009386, MONDO:0015356.
Cardiovascular phenotype. Identifiers: MedGen CN230736.
Neurofibromatosis, type 1 (NF1). Also called: Neurofibromatosis, type I; Peripheral type neurofibromatosis; VON RECKLINGHAUSEN DISEASE; NEUROFIBROMATOSIS, TYPE I, SOMATIC. Identifiers: Orphanet 636, MedGen C0027831, MONDO:0018975, OMIM 162200. Disease mechanism: loss of function.

Submissions (4):

Labcorp Genetics (formerly Invitae), Labcorp
Classification: Likely benign for Neurofibromatosis, type 1. Last evaluated: 2026-01-12. Review status: criteria provided, single submitter. Criteria: Invitae Variant Classification Sherloc (09022015). Collection method: clinical testing. Allele origin: germline.

Ambry Genetics
Classification: Uncertain significance for Cardiovascular phenotype; Hereditary cancer-predisposing syndrome. Last evaluated: 2024-10-13. Review status: criteria provided, single submitter. Criteria: Ambry Variant Classification Scheme 2023. Collection method: clinical testing. Allele origin: germline.
Comment: The p.P2380S variant (also known as c.7138C>T), located in coding exon 48 of the NF1 gene, results from a C to T substitution at nucleotide position 7138. The proline at codon 2380 is replaced by serine, an amino acid with similar properties. This amino acid position is highly conserved in available vertebrate species. In addition, the in silico prediction for this alteration is inconclusive. Since supporting evidence is limited at this time, the clinical significance of this alteration remains unclear.

GeneDx
Classification: Uncertain significance. Last evaluated: 2023-04-25. Review status: criteria provided, single submitter. Criteria: GeneDx Variant Classification Process June 2021. Collection method: clinical testing. Allele origin: germline. Affected: yes.
Comment: Not observed at significant frequency in large population cohorts (gnomAD); In silico analysis supports that this missense variant has a deleterious effect on protein structure/function; Has not been previously published as pathogenic or benign to our knowledge; This variant is associated with the following publications: (PMID: 25486365)

Genome-Nilou Lab
Classification: Uncertain significance for Neurofibromatosis, type 1. Last evaluated: 2022-03-15. Review status: criteria provided, single submitter. Criteria: ACMG Guidelines, 2015. Collection method: clinical testing. Allele origin: germline. Affected: no.